The following is an entry in ClinVar:

ClinVar aggregate classification (germline): Uncertain significance (1 of 4 stars; one submission).

Conditions:
TTN-related disorder. Also called: TTN-related disorders; TTN-related condition; TTN-related disease.

gnomAD v4.1: 6 of 1,614,098 alleles (0.00037%); highest among the groups gnomAD compares: Non-Finnish European, 0.00051%; no homozygotes.

Submission:

PreventionGenetics, part of Exact Sciences
Classification: Uncertain significance for TTN-related condition. Last evaluated: 2026-06-24. Review status: criteria provided, single submitter. Criteria: ACMG Guidelines, 2015. Collection method: clinical testing. Allele origin: germline.
Comment: The TTN c.8281A>G variant is predicted to result in the amino acid substitution p.Ile2761Val. To our knowledge, this variant has not been reported in the literature or in a large population database (gnomAD), indicating this variant is rare. At this time, the clinical significance of this variant is uncertain due to the absence of conclusive functional and genetic evidence.

NM_001267550.2(TTN):c.8281A>G (p.Ile2761Val)

Gene: TTN (titin; minus strand). Cytogenetic location: 2q31.2.
Variant type: single nucleotide variant.
Coding change: c.8281A>G on transcript NM_001267550.2 (MANE Select); coding-DNA position 8281, A replaced by G.
Protein change: p.Ile2761Val; replaces isoleucine 2761 with valine.
Molecular consequence: missense variant.
Genome position (GRCh38, 1-based): chr2:178,770,511, T>C on the plus strand (A>G on the coding strand, the complement: TTN is on the minus strand). VCF-style: chr2-178770511-T-C. GRCh37 (hg19) VCF-style: chr2-179635238-T-C.
Other names: c.8281A>G, p.Ile2761Val (NM_001256850.1, NM_133378.4, NM_133379.5); c.8143A>G, p.Ile2715Val (NM_003319.4, NM_133432.3, NM_133437.4); short protein forms I2715V, I2761V.
Identifiers: ClinVar variation 4982264 (VCV004982264.1).
Genomic context (GRCh38, chr2:178,770,511, plus strand): 5'-GCCTGAAGCCATAAACAGACTCATCCACGATGGCACAGTTTTTAATCCTCAGAGAGTAAA[T>C]TGTTCCTTTGACAGAGATAGCATACTTTTCATTGGATTCCAGCACAACTCCATTTTTGAT-3'
Protein context (NP_001254479.2, residues 2751-2771): EKYAISVKGT[Ile2761Val]YSLRIKNCAI